The following is an entry in ClinVar:

NM_005419.4(STAT2):c.2524A>G (p.Thr842Ala)

Gene: STAT2 (signal transducer and activator of transcription 2; minus strand). Cytogenetic location: 12q13.3.
Variant type: single nucleotide variant.
Coding change: c.2524A>G on transcript NM_005419.4 (MANE Select); coding-DNA position 2524, A replaced by G.
Protein change: p.Thr842Ala; replaces threonine 842 with alanine.
Molecular consequence: missense variant. On other transcripts: 3 prime UTR variant (1).
Genome position (GRCh38, 1-based): chr12:56,343,421, T>C on the plus strand (A>G on the coding strand, the complement: STAT2 is on the minus strand). VCF-style: chr12-56343421-T-C. GRCh37 (hg19) VCF-style: chr12-56737205-T-C.
Other names: c.2491A>G, p.Thr831Ala (NM_001385110.1); c.2425A>G, p.Thr809Ala (NM_001385111.1); c.*93A>G (NM_001385113.1); c.2503A>G, p.Thr835Ala (NM_001385114.1); c.2482A>G, p.Thr828Ala (NM_001385115.1); c.2512A>G, p.Thr838Ala (NM_198332.2); short protein forms T809A, T828A, T831A, T835A, T838A, T842A.
Identifiers: ClinVar variation 4810205 (VCV004810205.1).
Genomic context (GRCh38, chr12:56,343,421, plus strand): 5'-TATGAAAAGAACAGAGGAAATGTGGTTCCTAGAAGTCAGAAGGCATCAAGGGTCCATCAG[T>C]GTAGAAGTGGCTGGGGCGGGAGACGTAAACCTCATCCACGGTGTTCTGGCCAGCCAACAG-3'
Protein context (NP_005410.1, residues 832-851): VYVSRPSHFY[Thr842Ala]DGPLMPSDF

ClinVar aggregate classification (germline): Uncertain significance (1 of 4 stars; one submission).

Conditions:
Primary immunodeficiency with post-measles-mumps-rubella vaccine viral infection. Also called: Immunodeficiency 44. Identifiers: Orphanet 431166, MedGen C4225260, MONDO:0014715, OMIM 616636.

gnomAD v4.1: 1 of 1,614,204 alleles (0.000062%); highest among the groups gnomAD compares: Non-Finnish European, 0.000085%; no homozygotes.

Submission:

Labcorp Genetics (formerly Invitae), Labcorp
Classification: Uncertain significance for Primary immunodeficiency with post-measles-mumps-rubella vaccine viral infection. Last evaluated: 2025-11-12. Review status: criteria provided, single submitter. Criteria: Invitae Variant Classification Sherloc (09022015). Collection method: clinical testing. Allele origin: germline.
Comment: This sequence change replaces threonine, which is neutral and polar, with alanine, which is neutral and non-polar, at codon 842 of the STAT2 protein (p.Thr842Ala). This variant is not present in population databases (gnomAD no frequency). This variant has not been reported in the literature in individuals affected with STAT2-related conditions. Invitae Evidence Modeling of protein sequence and biophysical properties (such as structural, functional, and spatial information, amino acid conservation, physicochemical variation, residue mobility, and thermodynamic stability) indicates that this missense variant is not expected to disrupt STAT2 protein function with a negative predictive value of 95%. In summary, the available evidence is currently insufficient to determine the role of this variant in disease. Therefore, it has been classified as a Variant of Uncertain Significance.